The following is an entry in ClinVar:

ClinVar aggregate classification (germline): Pathogenic (1 of 4 stars; one submission).

Submission:

Labcorp Genetics (formerly Invitae), Labcorp
Classification: Pathogenic. Last evaluated: 2025-11-01. Review status: criteria provided, single submitter. Criteria: Invitae Variant Classification Sherloc (09022015). Collection method: clinical testing. Allele origin: germline.
Comment: This sequence change creates a premature translational stop signal (p.Ile617Leufs*4) in the EPHB4 gene. It is expected to result in an absent or disrupted protein product. Loss-of-function variants in EPHB4 are known to be pathogenic (PMID: 28687708). This variant is not present in population databases (gnomAD no frequency). This variant has not been reported in the literature in individuals affected with EPHB4-related conditions. For these reasons, this variant has been classified as Pathogenic.

Literature cited by the submitters: PubMed 28687708.

NM_004444.5(EPHB4):c.1849del (p.Ile617fs)

Gene: EPHB4 (EPH receptor B4; minus strand). Cytogenetic location: 7q22.1.
Variant type: Deletion.
Coding change: c.1849del on transcript NM_004444.5 (MANE Select); coding-DNA position 1849, one base deleted (A; older notation c.1849delA).
Protein change: p.Ile617fs; shifts the reading frame from isoleucine 617.
Molecular consequence: frameshift variant.
Genome position (GRCh38, 1-based): chr7:100,813,116, T deleted on the plus strand (A on the coding strand, the reverse complement: EPHB4 is on the minus strand). VCF-style (leftmost placement, unchanged base first): chr7-100813115-AT-A. GRCh37 (hg19) VCF-style: chr7-100410737-AT-A.
Other names: short protein forms I617fs.
Identifiers: ClinVar variation 4744696 (VCV004744696.1).